The following is an entry in ClinVar:

ClinVar aggregate classification (germline): Conflicting classifications of pathogenicity. Review status: criteria provided, conflicting classifications (1 of 4 stars). 2 submissions from 2 submitters: Uncertain significance (1); Likely benign (1). Last evaluated 2024-11-13.

Allele frequency attached by ClinVar (database versions not stated): ESP Exome Variant Server 0.00015; ExAC 0.00028; gnomAD exomes 0.00030; gnomAD 0.00033 and 0.00034; TOPMed 0.00037.
gnomAD v4.1: 553 of 1,613,732 alleles (0.034%); highest among the groups gnomAD compares: Middle Eastern, 0.066%; no homozygotes.

Submissions (2):

Blueprint Genetics
Classification: Likely benign. Last evaluated: 2024-11-13. Review status: criteria provided, single submitter. Criteria: ACMG Guidelines, 2015. Collection method: clinical testing. Allele origin: germline.

Labcorp Genetics (formerly Invitae), Labcorp
Classification: Uncertain significance. Last evaluated: 2022-11-01. Review status: criteria provided, single submitter. Criteria: Invitae Variant Classification Sherloc (09022015). Collection method: clinical testing. Allele origin: germline.
Comment: This sequence change replaces glycine, which is neutral and non-polar, with valine, which is neutral and non-polar, at codon 419 of the P3H2 protein (p.Gly419Val). This variant is present in population databases (rs140958763, gnomAD 0.1%). This variant has not been reported in the literature in individuals affected with P3H2-related conditions. ClinVar contains an entry for this variant (Variation ID: 853554). Advanced modeling of protein sequence and biophysical properties (such as structural, functional, and spatial information, amino acid conservation, physicochemical variation, residue mobility, and thermodynamic stability) performed at Invitae indicates that this missense variant is not expected to disrupt P3H2 protein function. In summary, the available evidence is currently insufficient to determine the role of this variant in disease. Therefore, it has been classified as a Variant of Uncertain Significance.

NM_018192.4(P3H2):c.1256G>T (p.Gly419Val)

Gene: P3H2 (prolyl 3-hydroxylase 2; minus strand). Cytogenetic location: 3q28.
Variant type: single nucleotide variant.
Coding change: c.1256G>T on transcript NM_018192.4 (MANE Select); coding-DNA position 1256, G replaced by T.
Protein change: p.Gly419Val; replaces glycine 419 with valine.
Molecular consequence: missense variant.
Genome position (GRCh38, 1-based): chr3:189,983,114, C>A on the plus strand (G>T on the coding strand, the complement: P3H2 is on the minus strand). VCF-style: chr3-189983114-C-A. GRCh37 (hg19) VCF-style: chr3-189700903-C-A.
Other names: c.713G>T, p.Gly238Val (NM_001134418.2); short protein forms G238V, G419V.
Identifiers: ClinVar variation 853554 (VCV000853554.5), dbSNP rs140958763, ClinGen allele CA2752997.